The following is an entry in ClinVar:

NM_025114.4(CEP290):c.4348_4356delinsTC (p.Pro1450fs)

Gene: CEP290 (centrosomal protein 290; minus strand). Cytogenetic location: 12q21.32.
Variant type: Indel.
Coding change: c.4348_4356delinsTC on transcript NM_025114.4 (MANE Select); coding-DNA positions 4348 to 4356, CCAAATCAA replaced by TC.
Protein change: p.Pro1450fs; shifts the reading frame from proline 1450.
Molecular consequence: frameshift variant.
Genome position (GRCh38, 1-based): chr12:88,086,120-88,086,128, TTGATTTGG replaced by GA on the plus strand (CCAAATCAA replaced by TC on the coding strand, the reverse complement: CEP290 is on the minus strand). VCF-style: chr12-88086120-TTGATTTGG-GA. GRCh37 (hg19) VCF-style: chr12-88479897-TTGATTTGG-GA.
Other names: c.4348_4356delinsTC (NM_025114.3); short protein forms P1450fs.
Identifiers: ClinVar variation 2680622 (VCV002680622.2), dbSNP rs2500010183, ClinGen allele CA2695199139.

ClinVar aggregate classification (germline): Likely pathogenic. Review status: criteria provided, multiple submitters, no conflicts (2 of 4 stars). 2 submissions from 2 submitters: Likely pathogenic (2). Last evaluated 2025-03-31.

Conditions:
Bardet-Biedl syndrome 14 (BBS14). Identifiers: Orphanet 110, MedGen C2673874, MONDO:0014442, OMIM 615991.
Leber congenital amaurosis (LCA). Also called: Leber's amaurosis. Identifiers: Orphanet 65, MedGen C0339527, MeSH D057130, MONDO:0018998.

Submissions (2):

Natera, Inc.
Classification: Likely pathogenic for Leber congenital amaurosis. Last evaluated: 2025-03-31. Review status: criteria provided, single submitter. Criteria: Natera Variant Classification Schema (03/2026). Collection method: clinical testing. Allele origin: germline.
Comment: The c.4348_4356delinsTC variant in CEP290 is a frameshift variant predicted to shift the reading frame beginning at codon 1450 and leads to a stop codon 6 codons downstream. This variant is expected to result in nonsense mediated decay, truncation, or a dysfunctional protein product. This variant is rare in the general population with a frequency below the threshold expected for the associated phenotype(s). Given the available evidence, this variant is classified as Likely Pathogenic.

Baylor Genetics
Classification: Likely pathogenic for Bardet-Biedl syndrome 14. Last evaluated: 2023-03-29. Review status: criteria provided, single submitter. Criteria: ACMG Guidelines, 2015. Collection method: clinical testing. Allele origin: unknown.